The following is an entry in ClinVar:

ClinVar aggregate classification (germline): Likely benign (1 of 4 stars; one submission).

Allele frequency attached by ClinVar (database versions not stated): 1000 Genomes Project 0.00300; 1000 Genomes Project 30x 0.00344; TOPMed 0.00353.
gnomAD v4.1: 511 of 152,926 alleles (0.33%); highest among the groups gnomAD compares: African/African-American, 1.1%; no homozygotes.

Submission:

GeneDx
Classification: Likely benign. Last evaluated: 2016-04-15. Review status: criteria provided, single submitter. Criteria: GeneDx Variant Classification (06012015). Collection method: clinical testing. Allele origin: germline. Affected: yes.
Comment: This variant is considered likely benign or benign based on one or more of the following criteria: it is a conservative change, it occurs at a poorly conserved position in the protein, it is predicted to be benign by multiple in silico algorithms, and/or has population frequency not consistent with disease.

NM_182916.3(TRNT1):c.-28+10C>G

Genes: TRNT1 (tRNA nucleotidyl transferase 1; plus strand), LOC129936047 (ATAC-STARR-seq lymphoblastoid silent region 14009; plus strand). Cytogenetic location: 3p26.2.
Variant type: single nucleotide variant.
Coding change: c.-28+10C>G on transcript NM_182916.3 (MANE Select); 10 bases into the intron after 28 bases upstream of the start codon, C replaced by G.
Molecular consequence: intron variant. On other transcripts: 5 prime UTR variant (2), non-coding transcript variant (4).
Genome position (GRCh38, 1-based): chr3:3,127,000, C>G. VCF-style: chr3-3127000-C-G. GRCh37 (hg19) VCF-style: chr3-3168684-C-G.
Other names: c.-317C>G (NM_001367322.1); c.-1046C>G (NM_001367323.1); c.-28+10C>G (NM_001367321.1, NM_001302946.2).
Identifiers: ClinVar variation 384903 (VCV000384903.1), dbSNP rs561212352, ClinGen allele CA16604863.
Genomic context (GRCh38, chr3:3,127,000, plus strand): 5'-AGCCCGGAAGTGCGCGTGGCGGCGGTGGCGGCTGCGGCAACAGCGGGGCCGGTAAGCGGG[C>G]GCGCGCCGCTCAGAGGGGCAGAGTTGGTGGCGTGAGTTGCTGCCCCTTCCTTCCTGCTGT-3'